The following is an entry in ClinVar:

NM_033056.4(PCDH15):c.5155A>G (p.Ile1719Val)

Gene: PCDH15 (protocadherin related 15; minus strand). Cytogenetic location: 10q21.1.
Variant type: single nucleotide variant.
Coding change: c.5155A>G on transcript NM_033056.4 (MANE Plus Clinical); coding-DNA position 5155, A replaced by G.
Protein change: p.Ile1719Val; replaces isoleucine 1719 with valine.
Molecular consequence: missense variant. On other transcripts: intron variant (8).
Genome position (GRCh38, 1-based): chr10:53,822,571, T>C on the plus strand (A>G on the coding strand, the complement: PCDH15 is on the minus strand). VCF-style: chr10-53822571-T-C. GRCh37 (hg19) VCF-style: chr10-55582331-T-C.
Other names: c.5176A>G, p.Ile1726Val (NM_001142763.2); c.5161A>G, p.Ile1721Val (NM_001142764.2); c.4948A>G, p.Ile1650Val (NM_001142765.2); c.5146A>G, p.Ile1716Val (NM_001142766.2); c.5035A>G, p.Ile1679Val (NM_001142767.2); c.5095A>G, p.Ile1699Val (NM_001142768.2); c.5086A>G, p.Ile1696Val (NM_001142773.2); c.5089A>G, p.Ile1697Val (NM_001354404.2); and 7 more; short protein forms I1716V, I1721V, I1679V, I1696V, I1719V, I1697V, I1699V, I1650V.
Identifiers: ClinVar variation 834372 (VCV000834372.7), dbSNP rs2076362442, ClinGen allele CA376525648.

ClinVar aggregate classification (germline): Uncertain significance (1 of 4 stars; one submission).

Submission:

Labcorp Genetics (formerly Invitae), Labcorp
Classification: Uncertain significance. Last evaluated: 2021-08-24. Review status: criteria provided, single submitter. Criteria: Invitae Variant Classification Sherloc (09022015). Collection method: clinical testing. Allele origin: germline.
Comment: This sequence change replaces isoleucine with valine at codon 1719 of the PCDH15 protein (p.Ile1719Val). The isoleucine residue is weakly conserved and there is a small physicochemical difference between isoleucine and valine. This variant is not present in population databases (ExAC no frequency). This variant has not been reported in the literature in individuals affected with PCDH15-related conditions. Algorithms developed to predict the effect of missense changes on protein structure and function (SIFT, PolyPhen-2, Align-GVGD) all suggest that this variant is likely to be tolerated. In summary, the available evidence is currently insufficient to determine the role of this variant in disease. Therefore, it has been classified as a Variant of Uncertain Significance.